The following is an entry in ClinVar:

NM_014720.4(SLK):c.2677G>C (p.Glu893Gln)

Gene: SLK (STE20 like kinase; plus strand). Cytogenetic location: 10q25.1.
Variant type: single nucleotide variant.
Coding change: c.2677G>C on transcript NM_014720.4 (MANE Select); coding-DNA position 2677, G replaced by C.
Protein change: p.Glu893Gln; replaces glutamic acid 893 with glutamine.
Molecular consequence: missense variant.
Genome position (GRCh38, 1-based): chr10:104,008,249, G>C. VCF-style: chr10-104008249-G-C. GRCh37 (hg19) VCF-style: chr10-105768007-G-C.
Other names: c.2677G>C, p.Glu893Gln (NM_001304743.2); short protein forms E893Q.
Identifiers: ClinVar variation 3251094 (VCV003251094.18), dbSNP rs2493216088.

ClinVar aggregate classification (germline): Uncertain significance (1 of 4 stars; one submission).

Submission:

CeGaT Center for Human Genetics Tuebingen
Classification: Uncertain significance. Last evaluated: 2024-06-01. Review status: criteria provided, single submitter. Criteria: CeGaT Center For Human Genetics Tuebingen Variant Classification Criteria Version 2. Collection method: clinical testing. Allele origin: germline. Affected: yes. Observed: 1 variant allele.
Comment: SLK: PM2